The following is an entry in ClinVar:

NM_000169.3(GLA):c.1192G>C (p.Glu398Gln)

Genes: GLA (galactosidase alpha; minus strand), RPL36A-HNRNPH2 (RPL36A-HNRNPH2 readthrough; plus strand). Cytogenetic location: Xq22.1.
Variant type: single nucleotide variant.
Coding change: c.1192G>C on transcript NM_000169.3 (MANE Select); coding-DNA position 1192, G replaced by C.
Protein change: p.Glu398Gln; replaces glutamic acid 398 with glutamine.
Molecular consequence: missense variant. On other transcripts: non-coding transcript variant (3), intron variant (2).
Genome position (GRCh38, 1-based): chrX:101,397,907, C>G on the plus strand (G>C on the coding strand, the complement: GLA is on the minus strand). VCF-style: chrX-101397907-C-G. GRCh37 (hg19) VCF-style: chrX-100652895-C-G.
Other names: c.1315G>C, p.Glu439Gln (NM_001406747.1); c.300+2450C>G (NM_001199973.2); c.177+6085C>G (NM_001199974.2); short protein forms E398Q, E439Q.
Identifiers: ClinVar variation 2701002 (VCV002701002.3), dbSNP rs104894844, ClinGen allele CA413919667.

ClinVar aggregate classification (germline): Uncertain significance (1 of 4 stars; one submission).

Conditions:
Fabry disease. Also called: Fabry's disease; ALPHA-GALACTOSIDASE A DEFICIENCY; ANDERSON-FABRY DISEASE; CERAMIDE TRIHEXOSIDASE DEFICIENCY; GLA DEFICIENCY; HEREDITARY DYSTOPIC LIPIDOSIS. Identifiers: Orphanet 324, MedGen C0002986, MONDO:0010526, OMIM 301500, HP:0001071. Disease mechanism: Fabry disease is due to inactivating mutations in the X-linked GLA gene resulting in deficiency of the enzyme Alpha Galactosidase-A., loss of function.

Allele frequency attached by ClinVar (database versions not stated): gnomAD exomes below 0.00001.
gnomAD v4.1: 3 of 1,209,268 alleles (0.00025%); highest among the groups gnomAD compares: Non-Finnish European, 0.00034%; no homozygotes.

Submission:

Labcorp Genetics (formerly Invitae), Labcorp
Classification: Uncertain significance for Fabry disease. Last evaluated: 2024-04-13. Review status: criteria provided, single submitter. Criteria: Invitae Variant Classification Sherloc (09022015). Collection method: clinical testing. Allele origin: germline.
Comment: This sequence change replaces glutamic acid, which is acidic and polar, with glutamine, which is neutral and polar, at codon 398 of the GLA protein (p.Glu398Gln). This variant is not present in population databases (gnomAD no frequency). This variant has not been reported in the literature in individuals affected with GLA-related conditions. Algorithms developed to predict the effect of missense changes on protein structure and function output the following: SIFT: "Not Available"; PolyPhen-2: "Benign"; Align-GVGD: "Not Available". The glutamine amino acid residue is found in multiple mammalian species, which suggests that this missense change does not adversely affect protein function. In summary, the available evidence is currently insufficient to determine the role of this variant in disease. Therefore, it has been classified as a Variant of Uncertain Significance.